The following is an entry in ClinVar:

NM_000138.5(FBN1):c.7205-2A>G

Gene: FBN1 (fibrillin 1; minus strand). Cytogenetic location: 15q21.1.
Variant type: single nucleotide variant.
Coding change: c.7205-2A>G on transcript NM_000138.5 (MANE Select); the canonical splice acceptor site of the intron before coding-DNA position 7205, A replaced by G.
Molecular consequence: splice acceptor variant.
Genome position (GRCh38, 1-based): chr15:48,425,866, T>C on the plus strand (A>G on the coding strand, the complement: FBN1 is on the minus strand). VCF-style: chr15-48425866-T-C. GRCh37 (hg19) VCF-style: chr15-48718063-T-C.
Other names: c.7205-2A>G (NM_001406716.1).
Identifiers: ClinVar variation 982349 (VCV000982349.5), dbSNP rs1555394450, ClinGen allele CA392328892.
Genomic context (GRCh38, chr15:48,425,866, plus strand): 5'-GTCATTGACACATTCCCCATTTCGGCAAACATCGTGAATAACCTTGCATTCATCGATATC[T>C]GTAATTTAACAAATATAAATTAAGAAATATATCATAAAATTGACAACATTAATATGTAGG-3'

ClinVar aggregate classification (germline): Pathogenic/Likely pathogenic. Review status: criteria provided, multiple submitters, no conflicts (2 of 4 stars). 2 submissions from 2 submitters: Pathogenic (1); Likely pathogenic (1). Last evaluated 2023-01-26.

Conditions:
Marfan syndrome (MFS). Also called: FBN1-Related Marfan Syndrome; MARFAN SYNDROME, TYPE I; Marfan syndrome type 1; Marfan's syndrome; Marfan syndrome, classic. Identifiers: Orphanet 284963, Orphanet 558, MedGen C0024796, MONDO:0007947, OMIM 154700.
Familial thoracic aortic aneurysm and aortic dissection (TAAD). Also called: Thoracic aortic aneurysms and dissections. Identifiers: Orphanet 91387, MedGen C4707243, MONDO:0019625.
Isolated thoracic aortic aneurysm.

Submissions (2):

Labcorp Genetics (formerly Invitae), Labcorp
Classification: Pathogenic for Marfan syndrome; Familial thoracic aortic aneurysm and aortic dissection. Last evaluated: 2023-01-26. Review status: criteria provided, single submitter. Criteria: Invitae Variant Classification Sherloc (09022015). Collection method: clinical testing. Allele origin: germline.
Comment: For these reasons, this variant has been classified as Pathogenic. Studies have shown that disruption of this splice site is associated with altered splicing resulting in unknown protein product impact (PMID: 8894692). ClinVar contains an entry for this variant (Variation ID: 982349). Disruption of this splice site has been observed in individuals with FBN1-related conditions (PMID: 8894692, 26787436; Invitae). This variant is not present in population databases (gnomAD no frequency). This sequence change affects an acceptor splice site in intron 58 of the FBN1 gene. It is expected to disrupt RNA splicing. Variants that disrupt the donor or acceptor splice site typically lead to a loss of protein function (PMID: 16199547), and loss-of-function variants in FBN1 are known to be pathogenic (PMID: 17657824, 19293843).

Department of Vascular Biology, Beijing Anzhen Hospital
Classification: Likely pathogenic for Isolated thoracic aortic aneurysm. Last evaluated: 2018-09-01. Review status: criteria provided, single submitter. Criteria: ACMG Guidelines, 2015. Collection method: research. Allele origin: germline. Affected: yes.

Literature cited by the submitters: PubMed 8894692 (cited by Labcorp Genetics (formerly Invitae), Labcorp); PubMed 26787436 (cited by Labcorp Genetics (formerly Invitae), Labcorp); PubMed 16199547 (cited by Labcorp Genetics (formerly Invitae), Labcorp); PubMed 17657824 (cited by Labcorp Genetics (formerly Invitae), Labcorp); PubMed 19293843 (cited by Labcorp Genetics (formerly Invitae), Labcorp).